The following is an entry in ClinVar:

ClinVar aggregate classification (germline): Uncertain significance (1 of 4 stars; one submission).

Conditions:
CACNA1C-related disorder. Also called: CACNA1C-related condition; CACNA1C-related disorders. Identifiers: MedGen CN381092, MONDO:0700321.

Submission:

PreventionGenetics, part of Exact Sciences
Classification: Uncertain significance for CACNA1C-related condition. Last evaluated: 2025-04-03. Review status: criteria provided, single submitter. Criteria: ACMG Guidelines, 2015. Collection method: clinical testing. Allele origin: germline.
Comment: The CACNA1C c.80A>G variant is predicted to result in the amino acid substitution p.His27Arg. To our knowledge, this variant has not been reported in the literature or in a large population database (gnomAD), indicating this variant is rare. At this time, the clinical significance of this variant is uncertain due to the absence of conclusive functional and genetic evidence.

NM_000719.7(CACNA1C):c.80A>G (p.His27Arg)

Gene: CACNA1C (calcium voltage-gated channel subunit alpha1 C; plus strand). Cytogenetic location: 12p13.33.
Variant type: single nucleotide variant.
Coding change: c.80A>G on transcript NM_000719.7 (MANE Select); coding-DNA position 80, A replaced by G.
Protein change: p.His27Arg; replaces histidine 27 with arginine.
Molecular consequence: missense variant.
Genome position (GRCh38, 1-based): chr12:2,115,254, A>G. VCF-style: chr12-2115254-A-G. GRCh37 (hg19) VCF-style: chr12-2224420-A-G.
Other names: c.80A>G, p.His27Arg (NM_001129827.2, NM_001129829.2, NM_001129830.3 and 19 more transcripts); short protein forms H27R.
Identifiers: ClinVar variation 4982119 (VCV004982119.1).
Genomic context (GRCh38, chr12:2,115,254, plus strand): 5'-ACTGTTGTGTTCTTTTCTCTTTTGCCACAGGTTCCAACTATGGGAGCCCACGCCCCGCCC[A>G]TGCCAACATGAATGCCAATGCGGCAGCGGGGCTGGCCCCTGAGCACATCCCCACCCCGGG-3'
Protein context (NP_000710.5, residues 17-37): GSNYGSPRPA[His27Arg]ANMNANAAAG